The following is an entry in ClinVar:

NM_000245.4(MET):c.2055G>T (p.Gly685=)

Gene: MET (MET proto-oncogene, receptor tyrosine kinase; plus strand). Cytogenetic location: 7q31.2.
Variant type: single nucleotide variant.
Coding change: c.2055G>T on transcript NM_000245.4 (MANE Select); coding-DNA position 2055, G replaced by T.
Protein change: p.Gly685=; no amino-acid change (glycine 685 retained).
Molecular consequence: synonymous variant.
Genome position (GRCh38, 1-based): chr7:116,757,727, G>T. VCF-style: chr7-116757727-G-T. GRCh37 (hg19) VCF-style: chr7-116397781-G-T.
Other names: c.2055G>T, p.Gly685= (NM_001127500.3, NM_001324401.3); c.765G>T, p.Gly255= (NM_001324402.2).
Identifiers: ClinVar variation 938024 (VCV000938024.10), dbSNP rs766401668, ClinGen allele CA457216557.

ClinVar aggregate classification (germline): Conflicting classifications of pathogenicity. Review status: criteria provided, conflicting classifications (1 of 4 stars). 2 submissions from 2 submitters: Uncertain significance (1); Benign (1). Last evaluated 2025-02-25.

Conditions:
Papillary renal cell carcinoma type 1 (RCCP1). Also called: RENAL CELL CARCINOMA, PAPILLARY, 1, SOMATIC; Renal adenocarcinoma; Renal cell carcinoma 1; Renal cell carcinoma, somatic. Identifiers: Orphanet 47044, MedGen C1336839, OMIM 605074, HP:0011797.
Renal cell carcinoma. Identifiers: Orphanet 217071, MedGen C0007134, MeSH D002292, MONDO:0005086, HP:0005584.

Submissions (2):

Labcorp Genetics (formerly Invitae), Labcorp
Classification: Uncertain significance for Renal cell carcinoma. Last evaluated: 2025-02-25. Review status: criteria provided, single submitter. Criteria: Invitae Variant Classification Sherloc (09022015). Collection method: clinical testing. Allele origin: germline.
Comment: This sequence change affects codon 685 of the MET mRNA. It is a 'silent' change, meaning that it does not change the encoded amino acid sequence of the MET protein. This variant is not present in population databases (gnomAD no frequency). This variant has not been reported in the literature in individuals affected with MET-related conditions. ClinVar contains an entry for this variant (Variation ID: 938024). Algorithms developed to predict the effect of sequence changes on RNA splicing suggest that this variant may create or strengthen a splice site. In summary, the available evidence is currently insufficient to determine the role of this variant in disease. Therefore, it has been classified as a Variant of Uncertain Significance.

Myriad Genetics, Inc.
Classification: Benign for Papillary renal cell carcinoma type 1. Last evaluated: 2024-11-08. Review status: criteria provided, single submitter. Criteria: Myriad Autosomal Dominant, Autosomal Recessive and X-Linked Classification Criteria (2023). Collection method: clinical testing. Allele origin: unknown.
Comment: This variant is considered benign. This variant is a silent/synonymous amino acid change and it is not expected to impact splicing.